The following is an entry in ClinVar:

ClinVar aggregate classification (germline): Uncertain significance (1 of 4 stars; one submission).

Submission:

Labcorp Genetics (formerly Invitae), Labcorp
Classification: Uncertain significance. Last evaluated: 2025-03-04. Review status: criteria provided, single submitter. Criteria: Invitae Variant Classification Sherloc (09022015). Collection method: clinical testing. Allele origin: germline.
Comment: This sequence change replaces threonine, which is neutral and polar, with methionine, which is neutral and non-polar, at codon 41 of the HMCN1 protein (p.Thr41Met). This variant is not present in population databases (gnomAD no frequency). This variant has not been reported in the literature in individuals affected with HMCN1-related conditions. An algorithm developed to predict the effect of missense changes on protein structure and function (PolyPhen-2) suggests that this variant is likely to be disruptive. In summary, the available evidence is currently insufficient to determine the role of this variant in disease. Therefore, it has been classified as a Variant of Uncertain Significance.

NM_031935.3(HMCN1):c.122C>T (p.Thr41Met)

Gene: HMCN1 (hemicentin 1; plus strand). Cytogenetic location: 1q25.3.
Variant type: single nucleotide variant.
Coding change: c.122C>T on transcript NM_031935.3 (MANE Select); coding-DNA position 122, C replaced by T.
Protein change: p.Thr41Met; replaces threonine 41 with methionine.
Molecular consequence: missense variant.
Genome position (GRCh38, 1-based): chr1:185,734,901, C>T. VCF-style: chr1-185734901-C-T. GRCh37 (hg19) VCF-style: chr1-185704033-C-T.
Other names: short protein forms T41M.
Identifiers: ClinVar variation 3618510 (VCV003618510.2).